The following is an entry in ClinVar:

NM_002354.3(EPCAM):c.676T>C (p.Phe226Leu)

Gene: EPCAM (epithelial cell adhesion molecule; plus strand). Cytogenetic location: 2p21.
Variant type: single nucleotide variant.
Coding change: c.676T>C on transcript NM_002354.3 (MANE Select); coding-DNA position 676, T replaced by C.
Protein change: p.Phe226Leu; replaces phenylalanine 226 with leucine.
Molecular consequence: missense variant.
Genome position (GRCh38, 1-based): chr2:47,379,787, T>C. VCF-style: chr2-47379787-T-C. GRCh37 (hg19) VCF-style: chr2-47606926-T-C.
Other names: short protein forms F226L.
Identifiers: ClinVar variation 1755353 (VCV001755353.2), dbSNP rs2103758759, ClinGen allele CA346724358.

ClinVar aggregate classification (germline): Uncertain significance (1 of 4 stars; one submission).

Conditions:
Hereditary cancer-predisposing syndrome. Also called: Neoplastic Syndromes, Hereditary; Tumor predisposition; Hereditary Cancer Syndrome; Hereditary neoplastic syndrome. Identifiers: Orphanet 140162, MedGen C0027672, MeSH D009386, MONDO:0015356.

Submission:

Ambry Genetics
Classification: Uncertain significance for Hereditary cancer-predisposing syndrome. Last evaluated: 2022-06-14. Review status: criteria provided, single submitter. Criteria: Ambry Variant Classification Scheme 2023. Collection method: clinical testing. Allele origin: germline.
Comment: The p.F226L variant (also known as c.676T>C), located in coding exon 7 of the EPCAM gene, results from a T to C substitution at nucleotide position 676. The phenylalanine at codon 226 is replaced by leucine, an amino acid with highly similar properties. This amino acid position is conserved. In addition, the in silico prediction for this alteration is inconclusive. Since supporting evidence is limited at this time, the clinical significance of this alteration remains unclear.